The following is an entry in ClinVar:

GRCh37/hg19 15q21.1-21.3(chr15:48744917-53851050)x1

Genes: AP4E1 (adaptor related protein complex 4 subunit epsilon 1; plus strand), ARPP19 (cAMP regulated phosphoprotein 19; minus strand), ATOSA (atos homolog A; minus strand), ATP8B4 (ATPase phospholipid transporting 8B4 (putative); minus strand), BCL2L10 (BCL2 like 10; minus strand) and 32 more. Cytogenetic location: 15q21.1-21.3.
Variant type: copy number loss.
Change: copy number 1 (one copy instead of two) of chr15:48,744,917-53,851,050 (5.11 Mb, GRCh37 coordinates, 1-based), cytogenetic band 15q21.1-21.3.
Identifiers: ClinVar variation 988929 (VCV000988929.4).

ClinVar aggregate classification (germline): Pathogenic (1 of 4 stars; one submission).

Submission:

Illumina Laboratory Services, Illumina
Classification: Pathogenic. Last evaluated: 2020-10-06. Review status: criteria provided, single submitter. Criteria: ICSL CNVClassificationCriteria Aug2020. Collection method: clinical testing. Allele origin: unknown.
Comment: This CNV is a 5.1Mb deletion of 15q21.1-q21.3, on chromosome 15, (seq[GRCh37]del(15)(q21.1q21.3); chr15:g.48744917_53851050del), found in a de novo state. This CNV constitutes a loss encompassing 55 genes, including the FBN1 gene, which is affected by one of the breakpoints. Similar sized CNVs have not been reported in controls. Similar CNVs have been reported individuals with various features consistent with Marfan syndrome in addition to other features, including developmental delays, intellectual disability, and dysmorphic facial features (Tempesta et al. 2008; Hilhorst-Hofstee et al. 2011; Dordoni et al. 2017). Based on the collective evidence, this CNV is classified as pathogenic.

Literature cited by the submitters: PubMed 18757045; PubMed 21063442; PubMed 27615407.